The following is an entry in ClinVar:

ClinVar aggregate classification (germline): Uncertain significance. Review status: criteria provided, single submitter (1 of 4 stars). 2 submissions from 2 submitters: Uncertain significance (1). 1 of the submissions does not count toward it. Last evaluated 2023-01-20.

Conditions:
Niemann-Pick disease, type A. Also called: SPHINGOMYELIN LIPIDOSIS; SPHINGOMYELINASE DEFICIENCY; Infantile Neurovisceral ASMD (Niemann-Pick Disease Type A; NPD-A). Identifiers: Orphanet 77292, MedGen C0268242, MONDO:0009756, OMIM 257200. Disease mechanism: loss of function.
Niemann-Pick disease, type B. Also called: Chronic Visceral ASMD (Niemann-Pick Disease Type B; NPD-B). Identifiers: Orphanet 77293, MedGen C0268243, MONDO:0011871, OMIM 607616. Disease mechanism: loss of function.

Allele frequency attached by ClinVar (database versions not stated): gnomAD below 0.00001 and 0.00001; gnomAD exomes below 0.00001.
gnomAD v4.1: 5 of 1,613,578 alleles (0.00031%); highest among the groups gnomAD compares: South Asian, 0.0033%; no homozygotes.

Submissions (2):

Labcorp Genetics (formerly Invitae), Labcorp
Classification: Uncertain significance for Niemann-Pick disease, type B; Niemann-Pick disease, type A. Last evaluated: 2023-01-20. Review status: criteria provided, single submitter. Criteria: Invitae Variant Classification Sherloc (09022015). Collection method: clinical testing. Allele origin: germline.
Comment: This variant is not present in population databases (gnomAD no frequency). In summary, the available evidence is currently insufficient to determine the role of this variant in disease. Therefore, it has been classified as a Variant of Uncertain Significance. Advanced modeling of protein sequence and biophysical properties (such as structural, functional, and spatial information, amino acid conservation, physicochemical variation, residue mobility, and thermodynamic stability) performed at Invitae indicates that this missense variant is expected to disrupt SMPD1 protein function. ClinVar contains an entry for this variant (Variation ID: 948953). This variant has not been reported in the literature in individuals affected with SMPD1-related conditions. This sequence change replaces isoleucine, which is neutral and non-polar, with threonine, which is neutral and polar, at codon 127 of the SMPD1 protein (p.Ile127Thr).

Natera, Inc.
Classification: Uncertain significance for Niemann-Pick Disease, Types A/B. Last evaluated: 2025-04-13. Review status: no assertion criteria provided. Collection method: clinical testing. Allele origin: germline. Not counted in ClinVar's aggregate classification.

NM_000543.5(SMPD1):c.380T>C (p.Ile127Thr)

Gene: SMPD1 (sphingomyelin phosphodiesterase 1; plus strand). Cytogenetic location: 11p15.4.
Variant type: single nucleotide variant.
Coding change: c.380T>C on transcript NM_000543.5 (MANE Select); coding-DNA position 380, T replaced by C.
Protein change: p.Ile127Thr; replaces isoleucine 127 with threonine.
Molecular consequence: missense variant. On other transcripts: 5 prime UTR variant (1), non-coding transcript variant (2).
Genome position (GRCh38, 1-based): chr11:6,391,445, T>C. VCF-style: chr11-6391445-T-C. GRCh37 (hg19) VCF-style: chr11-6412675-T-C.
Other names: c.377T>C, p.Ile126Thr (NM_001007593.3); c.380T>C, p.Ile127Thr (NM_001318087.2, NM_001365135.2); c.-582T>C (NM_001318088.2); short protein forms I126T, I127T.
Identifiers: ClinVar variation 948953 (VCV000948953.7), dbSNP rs1847903513, ClinGen allele CA379368778.